The following is an entry in ClinVar:

ClinVar aggregate classification (germline): Uncertain significance (1 of 4 stars; one submission).

Allele frequency attached by ClinVar (database versions not stated): ExAC 0.00002.

Submission:

Labcorp Genetics (formerly Invitae), Labcorp
Classification: Uncertain significance. Last evaluated: 2022-03-27. Review status: criteria provided, single submitter. Criteria: Invitae Variant Classification Sherloc (09022015). Collection method: clinical testing. Allele origin: germline.
Comment: The frequency data for this variant in the population databases is considered unreliable, as metrics indicate poor data quality at this position in the gnomAD database. In summary, the available evidence is currently insufficient to determine the role of this variant in disease. Therefore, it has been classified as a Variant of Uncertain Significance. Algorithms developed to predict the effect of missense changes on protein structure and function are either unavailable or do not agree on the potential impact of this missense change (SIFT: "Deleterious"; PolyPhen-2: "Probably Damaging"; Align-GVGD: "Class C15"). This variant has not been reported in the literature in individuals affected with CACNA1F-related conditions. This sequence change replaces glycine, which is neutral and non-polar, with valine, which is neutral and non-polar, at codon 287 of the CACNA1F protein (p.Gly287Val).

NM_001256789.3(CACNA1F):c.860G>T (p.Gly287Val)

Gene: CACNA1F (calcium voltage-gated channel subunit alpha1 F; minus strand). Cytogenetic location: Xp11.23.
Variant type: single nucleotide variant.
Coding change: c.860G>T on transcript NM_001256789.3 (MANE Select); coding-DNA position 860, G replaced by T.
Protein change: p.Gly287Val; replaces glycine 287 with valine.
Molecular consequence: missense variant.
Genome position (GRCh38, 1-based): chrX:49,228,405, C>A on the plus strand (G>T on the coding strand, the complement: CACNA1F is on the minus strand). VCF-style: chrX-49228405-C-A. GRCh37 (hg19) VCF-style: chrX-49084867-C-A.
Other names: c.665G>T, p.Gly222Val (NM_001256790.3); c.860G>T, p.Gly287Val (NM_005183.4); short protein forms G222V, G287V.
Identifiers: ClinVar variation 2107808 (VCV002107808.4), dbSNP rs781814482, ClinGen allele CA10411000.
Genomic context (GRCh38, chrX:49,228,405, plus strand): 5'-TTGGGCCCTGGCCAGCGCCCGCGGCACTCAGTCTGGTTCAGCGTGCACGCACGCCCTGAT[C>A]CCGAAGACGCACAGGGCGATGGGTCCTCCTCCGCTTCCATGTCTGCAGGAAGACTGGAGC-3'
Protein context (NP_001243718.1, residues 277-297): EEDPSPCASS[Gly287Val]SGRACTLNQT